The following is an entry in ClinVar:

ClinVar aggregate classification (germline): Uncertain significance (1 of 4 stars; one submission).

Conditions:
Cardiovascular phenotype. Identifiers: MedGen CN230736.

gnomAD v4.1: 4 of 1,614,028 alleles (0.00025%); highest among the groups gnomAD compares: Non-Finnish European, 0.00034%; no homozygotes.

Submission:

Ambry Genetics
Classification: Uncertain significance for Cardiovascular phenotype. Last evaluated: 2025-06-23. Review status: criteria provided, single submitter. Criteria: Ambry Variant Classification Scheme 2023. Collection method: clinical testing. Allele origin: germline.
Comment: The p.A462D variant (also known as c.1385C>A), located in coding exon 9 of the DES gene, results from a C to A substitution at nucleotide position 1385. The alanine at codon 462 is replaced by aspartic acid, an amino acid with dissimilar properties. This amino acid position is conserved. In addition, the in silico prediction for this alteration is inconclusive. Based on the available evidence, the clinical significance of this variant remains unclear.

NM_001927.4(DES):c.1385C>A (p.Ala462Asp)

Gene: DES (desmin; plus strand). Cytogenetic location: 2q35.
Variant type: single nucleotide variant.
Coding change: c.1385C>A on transcript NM_001927.4 (MANE Select); coding-DNA position 1385, C replaced by A.
Protein change: p.Ala462Asp; replaces alanine 462 with aspartic acid.
Molecular consequence: missense variant. On other transcripts: intron variant (1).
Genome position (GRCh38, 1-based): chr2:219,425,962, C>A. VCF-style: chr2-219425962-C-A. GRCh37 (hg19) VCF-style: chr2-220290684-C-A.
Other names: c.1382C>A, p.Ala461Asp (NM_001382708.1); c.953C>A, p.Ala318Asp (NM_001382709.1); c.1316C>A, p.Ala439Asp (NM_001382710.1); c.1364C>A, p.Ala455Asp (NM_001382711.1); c.1115C>A, p.Ala372Asp (NM_001382713.1); c.1371+217C>A (NM_001382712.1); short protein forms A372D, A439D, A461D, A318D, A455D, A462D.
Identifiers: ClinVar variation 4239716 (VCV004239716.1).